The following is an entry in ClinVar:

NM_000059.4(BRCA2):c.7918A>G (p.Lys2640Glu)

Gene: BRCA2 (BRCA2 DNA repair associated; plus strand). Cytogenetic location: 13q13.1.
Variant type: single nucleotide variant.
Coding change: c.7918A>G on transcript NM_000059.4 (MANE Select); coding-DNA position 7918, A replaced by G.
Protein change: p.Lys2640Glu; replaces lysine 2640 with glutamic acid.
Molecular consequence: missense variant.
Genome position (GRCh38, 1-based): chr13:32,362,635, A>G. VCF-style: chr13-32362635-A-G. GRCh37 (hg19) VCF-style: chr13-32936772-A-G.
Other names: c.7918A>G (NM_000059.3); short protein forms K2640E.
Identifiers: ClinVar variation 1002158 (VCV001002158.13), dbSNP rs2072747596, ClinGen allele CA387747180.

ClinVar aggregate classification (germline): Conflicting classifications of pathogenicity. Review status: criteria provided, conflicting classifications (1 of 4 stars). 3 submissions from 3 submitters: Uncertain significance (2); Likely benign (1). Last evaluated 2025-05-19.

Conditions:
Hereditary cancer-predisposing syndrome. Also called: Neoplastic Syndromes, Hereditary; Tumor predisposition; Hereditary Cancer Syndrome; Hereditary neoplastic syndrome. Identifiers: Orphanet 140162, MedGen C0027672, MeSH D009386, MONDO:0015356.
Hereditary breast ovarian cancer syndrome. Also called: Hereditary breast and ovarian cancer syndrome; Hereditary breast and/or ovarian cancer syndrome; Hereditary breast and ovarian cancer syndrome (HBOC); Breast and ovarian cancer; BRCA1- and BRCA2-Associated Hereditary Breast and Ovarian Cancer; Hereditary breast and ovarian cancer. Identifiers: Orphanet 145, MedGen C0677776, MeSH D061325, MONDO:0003582. Disease mechanism: loss of function.

Submissions (3):

Ambry Genetics
Classification: Likely benign for Hereditary cancer-predisposing syndrome. Last evaluated: 2025-05-19. Review status: criteria provided, single submitter. Criteria: Ambry Variant Classification Scheme 2023. Collection method: clinical testing. Allele origin: germline.

GeneDx
Classification: Uncertain significance. Last evaluated: 2023-11-21. Review status: criteria provided, single submitter. Criteria: GeneDx Variant Classification Process June 2021. Collection method: clinical testing. Allele origin: germline. Affected: yes.
Comment: Not observed at significant frequency in large population cohorts (gnomAD); In silico analysis supports that this missense variant does not alter protein structure/function; Has not been previously published as pathogenic or benign to our knowledge; Also known as 8146A>G; This variant is associated with the following publications: (PMID: 12228710)

Labcorp Genetics (formerly Invitae), Labcorp
Classification: Uncertain significance for Hereditary breast ovarian cancer syndrome. Last evaluated: 2022-04-24. Review status: criteria provided, single submitter. Criteria: Invitae Variant Classification Sherloc (09022015). Collection method: clinical testing. Allele origin: germline.
Comment: This sequence change replaces lysine, which is basic and polar, with glutamic acid, which is acidic and polar, at codon 2640 of the BRCA2 protein (p.Lys2640Glu). In summary, the available evidence is currently insufficient to determine the role of this variant in disease. Therefore, it has been classified as a Variant of Uncertain Significance. Advanced modeling of protein sequence and biophysical properties (such as structural, functional, and spatial information, amino acid conservation, physicochemical variation, residue mobility, and thermodynamic stability) performed at Invitae indicates that this missense variant is not expected to disrupt BRCA2 protein function. ClinVar contains an entry for this variant (Variation ID: 1002158). This variant has not been reported in the literature in individuals affected with BRCA2-related conditions. This variant is not present in population databases (gnomAD no frequency).